The following is an entry in ClinVar:

ClinVar aggregate classification (germline): Uncertain significance. Review status: criteria provided, single submitter (1 of 4 stars). 2 submissions from 2 submitters: Uncertain significance (1). 1 of the submissions does not count toward it. Last evaluated 2023-02-28.

Conditions:
Ataxia-telangiectasia syndrome (AT). Also called: Ataxia-telangiectasia, complementation group D; AT, COMPLEMENTATION GROUP C; ATAXIA-TELANGIECTASIA, COMPLEMENTATION GROUP A; ATAXIA-TELANGIECTASIA, FRESNO VARIANT; Ataxia-telangiectasia, complementation group E; LOUIS-BAR SYNDROME. Identifiers: Orphanet 100, MedGen C0004135, MONDO:0008840, OMIM 208900.

Submissions (2):

Labcorp Genetics (formerly Invitae), Labcorp
Classification: Uncertain significance for Ataxia-telangiectasia syndrome. Last evaluated: 2023-02-28. Review status: criteria provided, single submitter. Criteria: Invitae Variant Classification Sherloc (09022015). Collection method: clinical testing. Allele origin: germline.
Comment: In summary, the available evidence is currently insufficient to determine the role of this variant in disease. Therefore, it has been classified as a Variant of Uncertain Significance. Algorithms developed to predict the effect of missense changes on protein structure and function output the following: SIFT: "Not Available"; PolyPhen-2: "Benign"; Align-GVGD: "Not Available". The serine amino acid residue is found in multiple mammalian species, which suggests that this missense change does not adversely affect protein function. ClinVar contains an entry for this variant (Variation ID: 1964732). This variant has not been reported in the literature in individuals affected with ATM-related conditions. This variant is not present in population databases (gnomAD no frequency). This sequence change replaces asparagine, which is neutral and polar, with serine, which is neutral and polar, at codon 2646 of the ATM protein (p.Asn2646Ser).

Natera, Inc.
Classification: Uncertain significance for Ataxia-telangiectasia. Last evaluated: 2025-04-28. Review status: no assertion criteria provided. Collection method: clinical testing. Allele origin: germline. Not counted in ClinVar's aggregate classification.

NM_000051.4(ATM):c.7937A>G (p.Asn2646Ser)

Genes: ATM (ATM serine/threonine kinase; plus strand), C11orf65 (chromosome 11 open reading frame 65; minus strand). Cytogenetic location: 11q22.3.
Variant type: single nucleotide variant.
Coding change: c.7937A>G on transcript NM_000051.4 (MANE Select); coding-DNA position 7937, A replaced by G.
Protein change: p.Asn2646Ser; replaces asparagine 2646 with serine.
Molecular consequence: missense variant. On other transcripts: intron variant (2).
Genome position (GRCh38, 1-based): chr11:108,333,895, A>G. VCF-style: chr11-108333895-A-G. GRCh37 (hg19) VCF-style: chr11-108204622-A-G.
Other names: c.7937A>G, p.Asn2646Ser (NM_001351834.2); c.641-24824T>C (NM_001330368.2); c.*38+1325T>C (NM_001351110.2); short protein forms N2646S.
Identifiers: ClinVar variation 1964732 (VCV001964732.5), dbSNP rs2547312885, ClinGen allele CA382561669.